The following is an entry in ClinVar:

NM_003560.4(PLA2G6):c.755del (p.Asn252fs)

Gene: PLA2G6 (phospholipase A2 group VI; minus strand). Cytogenetic location: 22q13.1.
Variant type: Deletion.
Coding change: c.755del on transcript NM_003560.4 (MANE Select); coding-DNA position 755, one base deleted (A; older notation c.755delA).
Protein change: p.Asn252fs; shifts the reading frame from asparagine 252.
Molecular consequence: frameshift variant. On other transcripts: intron variant (1).
Genome position (GRCh38, 1-based): chr22:38,140,024, T deleted on the plus strand (A on the coding strand, the reverse complement: PLA2G6 is on the minus strand); the first of 2 consecutive T bases (chr22:38,140,024-38,140,025); deleting either gives the same sequence. VCF-style (leftmost placement, unchanged base first): chr22-38140023-GT-G. GRCh37 (hg19) VCF-style: chr22-38536030-GT-G.
Other names: NM_003560.4(PLA2G6):c.755del; p.Asn252fs; c.755del, p.Asn252fs (NM_001004426.3, NM_001199562.3, NM_001349864.2 and 2 more transcripts); c.221del, p.Asn74fs (NM_001349867.2, NM_001349869.2); c.119+3081del (NM_001349868.2); short protein forms N74fs, N252fs.
Identifiers: ClinVar variation 159778 (VCV000159778.52), dbSNP rs587784361, ClinGen allele CA173290.

ClinVar aggregate classification (germline): Pathogenic/Likely pathogenic. Review status: criteria provided, multiple submitters, no conflicts (2 of 4 stars). 8 submissions from 8 submitters: Pathogenic (7); Likely pathogenic (1). Last evaluated 2026-08-01.

Conditions:
PLA2G6-associated neurodegeneration (PLAN). Also called: phospholipase A2-associated neurodegeneration. Identifiers: Orphanet 329303, MedGen CN204472, MONDO:0017998.
PLA2G6-related disorder. Also called: PLA2G6-related condition.
Autosomal recessive Parkinson disease 14. Also called: DYSTONIA-PARKINSONISM, ADULT-ONSET; PARKINSON DISEASE 14. Identifiers: Orphanet 199351, MedGen C2751842, MONDO:0013060, OMIM 612953.
Infantile neuroaxonal dystrophy (NBIA2A). Also called: Infantile neuroaxonal dystrophy 1; NEURODEGENERATION WITH BRAIN IRON ACCUMULATION 2A; SEITELBERGER DISEASE. Identifiers: Orphanet 35069, MedGen C0270724, MONDO:0024457, OMIM 256600.
Neurodegeneration with brain iron accumulation 2B. Also called: NEUROAXONAL DYSTROPHY, ATYPICAL; NEURODEGENERATION WITH BRAIN IRON ACCUMULATION, PLA2G6-RELATED; aNAD; atypical Neuroaxonal Dystrophy (aNAD). Identifiers: Orphanet 35069, MedGen C1857747, MONDO:0012444, OMIM 610217.
Iron accumulation in brain. Identifiers: MedGen C4021076, HP:0012675.

Submissions (8):

CeGaT Center for Human Genetics Tuebingen
Classification: Pathogenic. Last evaluated: 2026-08-01. Review status: criteria provided, single submitter. Criteria: CeGaT Center For Human Genetics Tuebingen Variant Classification Criteria Version 2. Collection method: clinical testing. Allele origin: germline. Affected: yes. Observed: 2 variant alleles.
Comment: PLA2G6: PVS1, PM2, PM3:Supporting

Labcorp Genetics (formerly Invitae), Labcorp
Classification: Pathogenic for Infantile neuroaxonal dystrophy. Last evaluated: 2026-01-16. Review status: criteria provided, single submitter. Criteria: Invitae Variant Classification Sherloc (09022015). Collection method: clinical testing. Allele origin: germline.
Comment: This sequence change creates a premature translational stop signal (p.Asn252Thrfs*9) in the PLA2G6 gene. It is expected to result in an absent or disrupted protein product. Loss-of-function variants in PLA2G6 are known to be pathogenic (PMID: 16783378, 18570303, 18799783, 22213678). This variant is present in population databases (rs587784361, gnomAD 0.003%). This premature translational stop signal has been observed in individual(s) with infantile neuroaxonal dystrophy (PMID: 16783378). ClinVar contains an entry for this variant (Variation ID: 159778). For these reasons, this variant has been classified as Pathogenic.

Blueprint Genetics
Classification: Pathogenic for PLA2G6-related disorders. Last evaluated: 2024-07-30. Review status: criteria provided, single submitter. Criteria: ACMG Guidelines, 2015. Collection method: clinical testing. Allele origin: germline. Affected: yes. Observed: 2 variant alleles.

Fulgent Genetics
Classification: Pathogenic for Infantile neuroaxonal dystrophy; Neurodegeneration with brain iron accumulation 2B; Autosomal recessive Parkinson disease 14. Last evaluated: 2024-06-21. Review status: criteria provided, single submitter. Criteria: ACMG Guidelines, 2015. Collection method: clinical testing. Allele origin: germline.

Broad Center for Mendelian Genomics, Broad Institute of MIT and Harvard
Classification: Likely pathogenic for PLA2G6-associated neurodegeneration. Last evaluated: 2023-01-24. Review status: criteria provided, single submitter. Criteria: ACMG Guidelines, 2015. Collection method: curation. Allele origin: germline. Inheritance: Autosomal recessive inheritance.
Comment: The p.Asn252fs variant in PLA2G6 has been reported in 1 individual, in the compound heterozygous state, with PLA2G6-associated neurodegeneration (PMID: 16783378), and has been identified in 0.004% (5/125812) of European (non-Finnish) chromosomes by the Genome Aggregation Database (gnomAD; dbSNP ID: rs771809118). Although this variant has been seen in the general population in a heterozygous state, its frequency is low enough to be consistent with a recessive carrier frequency. This variant has also been reported in ClinVar (Variation ID#: 159778) and has been interpreted as pathogenic by Invitae, CeGaT Center for Human Genetics Tuebingen, and Genetic Services Laboratory (University of Chicago). This variant is predicted to cause a frameshift, which alters the protein‚Äôs amino acid sequence beginning at position 252 and leads to a premature termination codon 9 amino acids downstream. This alteration is then predicted to lead to a truncated or absent protein. Loss of function of the PLA2G6 gene is an established disease mechanism in PLA2G6-associated neurodegeneration. In summary, although additional studies are required to fully establish its clinical significance, this variant is likely pathogenic for autosomal recessive PLA2G6-associated neurodegeneration. ACMG/AMP Criteria applied: PVS1, PM2 (Richards 2015).

GeneDx
Classification: Pathogenic. Last evaluated: 2022-10-16. Review status: criteria provided, single submitter. Criteria: GeneDx Variant Classification Process June 2021. Collection method: clinical testing. Allele origin: germline. Affected: yes.
Comment: Frameshift variant predicted to result in protein truncation or nonsense mediated decay in a gene for which loss-of-function is a known mechanism of disease; Not observed at a significant frequency in large population cohorts (gnomAD); Reported as c.755delA; p.(N252fsX260) with a second PLA2G6 variant, phase unknown, in a patient with infantile neuroaxonal dystrophy with brain iron (Morgan et al., 2006); This variant is associated with the following publications: (PMID: 16783378)

Baylor Genetics
Classification: Pathogenic for Infantile neuroaxonal dystrophy. Last evaluated: 2022-09-01. Review status: criteria provided, single submitter. Criteria: ACMG Guidelines, 2015. Collection method: clinical testing. Allele origin: unknown.

Genetic Services Laboratory, University of Chicago
Classification: Pathogenic for iron accumulation in brain. Last evaluated: 2014-04-01. Review status: criteria provided, single submitter. Criteria: ACMG Guidelines, 2007. Collection method: clinical testing. Allele origin: germline. Inheritance: Autosomal recessive inheritance. Affected: yes.

Literature cited by the submitters: PubMed 16783378 (cited by Labcorp Genetics (formerly Invitae), Labcorp); PubMed 18570303 (cited by Labcorp Genetics (formerly Invitae), Labcorp); PubMed 18799783 (cited by Labcorp Genetics (formerly Invitae), Labcorp); PubMed 22213678 (cited by Labcorp Genetics (formerly Invitae), Labcorp).